The following is an entry in ClinVar:

ClinVar aggregate classification (germline): Pathogenic (1 of 4 stars; one submission).

Conditions:
Fabry disease. Also called: ALPHA-GALACTOSIDASE A DEFICIENCY; ANDERSON-FABRY DISEASE; CERAMIDE TRIHEXOSIDASE DEFICIENCY; GLA DEFICIENCY; HEREDITARY DYSTOPIC LIPIDOSIS; Angiokeratoma corporis diffusum. Identifiers: Orphanet 324, MedGen C0002986, MONDO:0010526, OMIM 301500, HP:0001071. Disease mechanism: Fabry disease is due to inactivating mutations in the X-linked GLA gene resulting in deficiency of the enzyme Alpha Galactosidase-A., loss of function.

Submission:

Genomenon, Inc
Classification: Pathogenic for Fabry disease. Last evaluated: 2026-09-08. Review status: criteria provided, single submitter. Criteria: Genomenon Sequence Variant Interpretation Standards - Updated. Collection method: curation. Allele origin: germline. Affected: yes.
Comment: GLA p.Leu180TrpfsTer12 (c.539del) is a frameshift variant that is predicted to introduce a premature termination codon and result in a truncated or absent protein product. This variant has been observed in at least one proband with clinical features consistent with Fabry disease (PMID:32442237). It is absent or not present at a significant frequency in gnomAD. In conclusion, we classify GLA p.Leu180TrpfsTer12 (c.539del) as a pathogenic variant.

Literature cited by the submitters: PubMed 32442237.

NM_000169.3(GLA):c.539del (p.Leu180fs)

Genes: GLA (galactosidase alpha; minus strand), RPL36A-HNRNPH2 (RPL36A-HNRNPH2 readthrough; plus strand). Cytogenetic location: Xq22.1.
Variant type: Deletion.
Coding change: c.539del on transcript NM_000169.3 (MANE Select); coding-DNA position 539, one base deleted (T; older notation c.539delT).
Protein change: p.Leu180fs; shifts the reading frame from leucine 180.
Molecular consequence: frameshift variant. On other transcripts: non-coding transcript variant (3), intron variant (2).
Genome position (GRCh38, 1-based): chrX:101,401,640, A deleted on the plus strand (T on the coding strand, the reverse complement: GLA is on the minus strand); the first of 3 consecutive A bases (chrX:101,401,640-101,401,642); deleting any one gives the same sequence. VCF-style (leftmost placement, unchanged base first): chrX-101401639-CA-C. GRCh37 (hg19) VCF-style: chrX-100656627-CA-C.
Other names: c.662del, p.Leu221fs (NM_001406747.1, NM_001406749.1); c.539del, p.Leu180fs (NM_001406748.1); c.300+6185del (NM_001199973.2); c.177+9820del (NM_001199974.2); short protein forms L180fs, L221fs.
Identifiers: ClinVar variation 4086973 (VCV004086973.2).